The following is an entry in ClinVar:

NM_003413.4(ZIC3):c.19G>C (p.Gly7Arg)

Gene: ZIC3 (Zic family zinc finger 3; plus strand). Cytogenetic location: Xq26.3.
Variant type: single nucleotide variant.
Coding change: c.19G>C on transcript NM_003413.4 (MANE Select); coding-DNA position 19, G replaced by C.
Protein change: p.Gly7Arg; replaces glycine 7 with arginine.
Molecular consequence: missense variant.
Genome position (GRCh38, 1-based): chrX:137,566,710, G>C. VCF-style: chrX-137566710-G-C. GRCh37 (hg19) VCF-style: chrX-136648869-G-C.
Other names: c.19G>C, p.Gly7Arg (NM_001330661.1); short protein forms G7R.
Identifiers: ClinVar variation 418553 (VCV000418553.9), dbSNP rs763534805, ClinGen allele CA16621213.

ClinVar aggregate classification (germline): Conflicting classifications of pathogenicity. Review status: criteria provided, conflicting classifications (1 of 4 stars). 2 submissions from 2 submitters: Likely pathogenic (1); Uncertain significance (1). Last evaluated 2021-03-26.

Conditions:
Heterotaxy, visceral, 1, X-linked (HTX1). Also called: DEXTROCARDIA WITH OTHER CARDIAC MALFORMATIONS; Laterality, X-linked; Visceral heterotaxia; SITUS INVERSUS, COMPLEX CARDIAC DEFECTS, AND SPLENIC DEFECTS, X-LINKED. Identifiers: Orphanet 450, MedGen C1844020, MONDO:0010607, OMIM 306955.

Allele frequency attached by ClinVar (database versions not stated): TOPMed 0.00002.
gnomAD v4.1: 17 of 1,199,720 alleles (0.0014%); highest among the groups gnomAD compares: Non-Finnish European, 0.0018%; no homozygotes.

Submissions (2):

Labcorp Genetics (formerly Invitae), Labcorp
Classification: Uncertain significance for Heterotaxy, visceral, 1, X-linked. Last evaluated: 2021-03-26. Review status: criteria provided, single submitter. Criteria: Invitae Variant Classification Sherloc (09022015). Collection method: clinical testing. Allele origin: germline.
Comment: In summary, the available evidence is currently insufficient to determine the role of this variant in disease. Therefore, it has been classified as a Variant of Uncertain Significance. Algorithms developed to predict the effect of missense changes on protein structure and function are either unavailable or do not agree on the potential impact of this missense change (SIFT: "Deleterious"; PolyPhen-2: "Possibly Damaging"; Align-GVGD: "Class C0"). This variant has not been reported in the literature in individuals with ZIC3-related conditions. ClinVar contains an entry for this variant (Variation ID: 418553). This variant is not present in population databases (ExAC no frequency). This sequence change replaces glycine with arginine at codon 7 of the ZIC3 protein (p.Gly7Arg). The glycine residue is highly conserved and there is a moderate physicochemical difference between glycine and arginine.

GeneDx
Classification: Likely pathogenic. Last evaluated: 2013-10-09. Review status: criteria provided, single submitter. Criteria: GeneDx Variant Classification (06012015). Collection method: clinical testing. Allele origin: germline. Affected: yes.
Comment: The Gly7Arg variant in the ZIC3 gene has not been reported as a pathogenic variant or as a benign polymorphism to our knowledge. Gly7Arg results in a non-conservative amino acid substitution of a non-polar Glycine residue with a positively charged Arginine residue at a position that is conserved across species. In silico analysis predicts Gly7Arg is probably damaging to the protein structure/function. A variant affecting a nearby residue (Gly17Cys) has been reported in HGMD in association with a cardiac malformation (Stenson P et al., 2009), further supporting the functional importance of this region of the protein. Furthermore, the Gly7Arg variant was not observed in approximately 5,300 individuals of European and African American ancestry in an external variant database, indicating it is not a common benign variant in these populations. In summary, while Gly7Arg is a good candidate for a pathogenic variant, with the clinical and molecular information available at this time we cannot unequivocally determine the clinical significance of this variant. The pathogenic role for this variant would be further supported if it occurred de novo in this individual or if it co-segregates with the disease phenotype in this family.